The following is an entry in ClinVar:

ClinVar aggregate classification (germline): Uncertain significance (1 of 4 stars; one submission).

Conditions:
Arrhythmogenic cardiomyopathy with wooly hair and keratoderma. Also called: Arrhythmogenic cardiomyopathy with woolly hair and keratoderma; PALMOPLANTAR KERATODERMA WITH LEFT VENTRICULAR CARDIOMYOPATHY AND WOOLLY HAIR; Carvajal syndrome; Dilated cardiomyopathy with woolly hair and keratoderma. Identifiers: Orphanet 65282, MedGen C1854063, MONDO:0011581, OMIM 605676.
Arrhythmogenic right ventricular dysplasia 8 (ARVD8). Also called: Arrhythmogenic Right Ventricular Dysplasia/Cardiomyopathy 8; ARRHYTHMOGENIC RIGHT VENTRICULAR DYSPLASIA, FAMILIAL, 8; ARRHYTHMOGENIC RIGHT VENTRICULAR CARDIOMYOPATHY 8. Identifiers: MedGen C1843896, MONDO:0011831, OMIM 607450.

Submission:

Labcorp Genetics (formerly Invitae), Labcorp
Classification: Uncertain significance for Arrhythmogenic cardiomyopathy with wooly hair and keratoderma; Arrhythmogenic right ventricular dysplasia 8. Last evaluated: 2023-02-17. Review status: criteria provided, single submitter. Criteria: Invitae Variant Classification Sherloc (09022015). Collection method: clinical testing. Allele origin: germline.
Comment: This sequence change replaces tyrosine, which is neutral and polar, with cysteine, which is neutral and slightly polar, at codon 2860 of the DSP protein (p.Tyr2860Cys). This variant is not present in population databases (gnomAD no frequency). This variant has not been reported in the literature in individuals affected with DSP-related conditions. An algorithm developed to predict the effect of missense changes on protein structure and function (PolyPhen-2) suggests that this variant is likely to be disruptive. In summary, the available evidence is currently insufficient to determine the role of this variant in disease. Therefore, it has been classified as a Variant of Uncertain Significance.

NM_004415.4(DSP):c.8579A>G (p.Tyr2860Cys)

Gene: DSP (desmoplakin; plus strand). Cytogenetic location: 6p24.3.
Variant type: single nucleotide variant.
Coding change: c.8579A>G on transcript NM_004415.4 (MANE Select); coding-DNA position 8579, A replaced by G.
Protein change: p.Tyr2860Cys; replaces tyrosine 2860 with cysteine.
Molecular consequence: missense variant.
Genome position (GRCh38, 1-based): chr6:7,585,841, A>G. VCF-style: chr6-7585841-A-G. GRCh37 (hg19) VCF-style: chr6-7586074-A-G.
Other names: c.6782A>G, p.Tyr2261Cys (NM_001008844.3); c.7250A>G, p.Tyr2417Cys (NM_001319034.2); short protein forms Y2860C, Y2417C, Y2261C.
Identifiers: ClinVar variation 2944439 (VCV002944439.3), dbSNP rs2533953224, ClinGen allele CA362695418.